The following is an entry in ClinVar:

ClinVar aggregate classification (germline): Uncertain significance (1 of 4 stars; one submission).

Conditions:
Dyskeratosis congenita, autosomal dominant 6 (DKCA6). Identifiers: Orphanet 3322, MedGen C4225284, MONDO:0014690, OMIM 616553.

Submission:

Labcorp Genetics (formerly Invitae), Labcorp
Classification: Uncertain significance for Dyskeratosis congenita, autosomal dominant 6. Last evaluated: 2024-04-22. Review status: criteria provided, single submitter. Criteria: Invitae Variant Classification Sherloc (09022015). Collection method: clinical testing. Allele origin: germline.
Comment: This sequence change replaces serine, which is neutral and polar, with leucine, which is neutral and non-polar, at codon 435 of the ACD protein (p.Ser435Leu). This variant is not present in population databases (gnomAD no frequency). This variant has not been reported in the literature in individuals affected with ACD-related conditions. ClinVar contains an entry for this variant (Variation ID: 1438708). Advanced modeling of protein sequence and biophysical properties (such as structural, functional, and spatial information, amino acid conservation, physicochemical variation, residue mobility, and thermodynamic stability) performed at Invitae indicates that this missense variant is not expected to disrupt ACD protein function with a negative predictive value of 80%. In summary, the available evidence is currently insufficient to determine the role of this variant in disease. Therefore, it has been classified as a Variant of Uncertain Significance.

NM_001082486.2(ACD):c.1046C>T (p.Ser349Leu)

Gene: ACD (ACD shelterin complex subunit and telomerase recruitment factor; minus strand). Cytogenetic location: 16q22.1.
Variant type: single nucleotide variant.
Coding change: c.1046C>T on transcript NM_001082486.2 (MANE Select); coding-DNA position 1046, C replaced by T.
Protein change: p.Ser349Leu; replaces serine 349 with leucine.
Molecular consequence: missense variant.
Genome position (GRCh38, 1-based): chr16:67,658,146, G>A on the plus strand (C>T on the coding strand, the complement: ACD is on the minus strand). VCF-style: chr16-67658146-G-A. GRCh37 (hg19) VCF-style: chr16-67692049-G-A.
Other names: c.1037C>T, p.Ser346Leu (NM_022914.3); short protein forms S349L, S346L.
Identifiers: ClinVar variation 1438708 (VCV001438708.8), dbSNP rs2142967912, ClinGen allele CA396352378.
Genomic context (GRCh38, chr16:67,658,146, plus strand): 5'-CTAGGTTTCTGGGGCCTGGTCACAAGAGCCTGGTGTGGACTGGGGACATGGCTACGGGGT[G>A]AGAGACTGGGAGTGCAGCTCTGGAGTGGGGAGCTGGGGGTACGGCTGGCGTGTGGGGACC-3'
Protein context (NP_001075955.2, residues 339-359): SPLQSCTPSL[Ser349Leu]PRSHVPSPHQ